The following is an entry in ClinVar:

NM_000368.5(TSC1):c.2506T>C (p.Ser836Pro)

Gene: TSC1 (TSC complex subunit 1; minus strand). Cytogenetic location: 9q34.13.
Variant type: single nucleotide variant.
Coding change: c.2506T>C on transcript NM_000368.5 (MANE Select); coding-DNA position 2506, T replaced by C.
Protein change: p.Ser836Pro; replaces serine 836 with proline.
Molecular consequence: missense variant.
Genome position (GRCh38, 1-based): chr9:132,900,834, A>G on the plus strand (T>C on the coding strand, the complement: TSC1 is on the minus strand). VCF-style: chr9-132900834-A-G. GRCh37 (hg19) VCF-style: chr9-135776221-A-G.
Other names: c.2503T>C, p.Ser835Pro (NM_001162426.2); c.2353T>C, p.Ser785Pro (NM_001162427.2); c.2143T>C, p.Ser715Pro (NM_001362177.2); short protein forms S715P, S785P, S835P, S836P.
Identifiers: ClinVar variation 936050 (VCV000936050.9), dbSNP rs1845336311, ClinGen allele CA375370360.

ClinVar aggregate classification (germline): Uncertain significance (1 of 4 stars; one submission).

Conditions:
Tuberous sclerosis 1 (TSC1). Identifiers: Orphanet 805, MedGen C1854465, MONDO:0008612, OMIM 191100.

Submission:

Labcorp Genetics (formerly Invitae), Labcorp
Classification: Uncertain significance for Tuberous sclerosis 1. Last evaluated: 2024-04-08. Review status: criteria provided, single submitter. Criteria: Invitae Variant Classification Sherloc (09022015). Collection method: clinical testing. Allele origin: germline.
Comment: This sequence change replaces serine, which is neutral and polar, with proline, which is neutral and non-polar, at codon 836 of the TSC1 protein (p.Ser836Pro). This variant is not present in population databases (gnomAD no frequency). This variant has not been reported in the literature in individuals affected with TSC1-related conditions. ClinVar contains an entry for this variant (Variation ID: 936050). Advanced modeling of protein sequence and biophysical properties (such as structural, functional, and spatial information, amino acid conservation, physicochemical variation, residue mobility, and thermodynamic stability) performed at Invitae indicates that this missense variant is not expected to disrupt TSC1 protein function with a negative predictive value of 95%. In summary, the available evidence is currently insufficient to determine the role of this variant in disease. Therefore, it has been classified as a Variant of Uncertain Significance.